The following is an entry in ClinVar:

ClinVar aggregate classification (germline): Benign. Review status: criteria provided, multiple submitters, no conflicts (2 of 4 stars). 6 submissions from 6 submitters: Benign (6). Last evaluated 2026-02-04.

Conditions:
Methylcobalamin deficiency type cblE (HMAE). Also called: HOMOCYSTINURIA-MEGALOBLASTIC ANEMIA, cblE COMPLEMENTATION TYPE; HOMOCYSTINURIA-MEGALOBLASTIC ANEMIA, cblE TYPE; VITAMIN B12-RESPONSIVE HOMOCYSTINURIA, cblE TYPE. Identifiers: Orphanet 2169, Orphanet 622, MedGen C1856057, MONDO:0009354, OMIM 236270.
Neural tube defects, folate-sensitive (NTDFS). Also called: NTD, FOLATE-SENSITIVE. Identifiers: Orphanet 823, MedGen C1866558, MONDO:0011120, OMIM 601634.
Disorders of Intracellular Cobalamin Metabolism. Identifiers: MedGen CN043592.

Allele frequency attached by ClinVar (database versions not stated): ESP Exome Variant Server 0.02768; gnomAD exomes 0.03920 and 0.06123; gnomAD 0.04224 and 0.04396; TOPMed 0.04474; ExAC 0.05648; 1000 Genomes Project 30x 0.06621; 1000 Genomes Project 0.06809.
gnomAD v4.1: 64,057 of 1,613,972 alleles (4%); highest among the groups gnomAD compares: East Asian, 18%; 2,193 homozygotes.

Submissions (6):

Labcorp Genetics (formerly Invitae), Labcorp
Classification: Benign for Methylcobalamin deficiency type cblE. Last evaluated: 2026-02-04. Review status: criteria provided, single submitter. Criteria: Invitae Variant Classification Sherloc (09022015). Collection method: clinical testing. Allele origin: germline.

Fulgent Genetics
Classification: Benign for Methylcobalamin deficiency type cblE; Neural tube defects, folate-sensitive. Last evaluated: 2021-10-27. Review status: criteria provided, single submitter. Criteria: ACMG Guidelines, 2015. Collection method: clinical testing. Allele origin: unknown.

Mayo Clinic Laboratories, Mayo Clinic
Classification: Benign. Last evaluated: 2021-04-07. Review status: criteria provided, single submitter. Criteria: ACMG Guidelines, 2015. Collection method: clinical testing. Allele origin: germline. Observed: 5 variant alleles.

Illumina Laboratory Services, Illumina
Classification: Benign for Disorders of Intracellular Cobalamin Metabolism. Last evaluated: 2018-01-13. Review status: criteria provided, single submitter. Criteria: ICSL Variant Classification Criteria 13 December 2019. Collection method: clinical testing. Allele origin: germline.
Comment: This variant was observed in the ICSL laboratory as part of a predisposition screen in an ostensibly healthy population. It had not been previously curated by ICSL or reported in the Human Gene Mutation Database (HGMD: prior to June 1st, 2018), and was therefore a candidate for classification through an automated scoring system. Utilizing variant allele frequency, disease prevalence and penetrance estimates, and inheritance mode, an automated score was calculated to assess if this variant is too frequent to cause the disease. Based on the score and internal cut-off values, a variant classified as benign is not then subjected to further curation. The score for this variant resulted in a classification of benign for this disease.

GeneDx
Classification: Benign. Last evaluated: 2014-01-23. Review status: criteria provided, single submitter. Criteria: GeneDx Variant Classification (06012015). Collection method: clinical testing. Allele origin: germline. Affected: yes.
Comment: This variant is considered likely benign or benign based on one or more of the following criteria: it is a conservative change, it occurs at a poorly conserved position in the protein, it is predicted to be benign by multiple in silico algorithms, and/or has population frequency not consistent with disease.

Breakthrough Genomics
Classification: Benign. Review status: criteria provided, single submitter. Criteria: ACMG Guidelines, 2015. Collection method: not provided. Allele origin: germline. Inheritance: Autosomal recessive inheritance. Affected: yes.

NM_002454.3(MTRR):c.1155G>A (p.Leu385=)

Gene: MTRR (5-methyltetrahydrofolate-homocysteine methyltransferase reductase; plus strand). Cytogenetic location: 5p15.31.
Variant type: single nucleotide variant.
Coding change: c.1155G>A on transcript NM_002454.3 (MANE Select); coding-DNA position 1155, G replaced by A.
Protein change: p.Leu385=; no amino-acid change (leucine 385 retained).
Molecular consequence: synonymous variant. On other transcripts: non-coding transcript variant (14).
Genome position (GRCh38, 1-based): chr5:7,889,103, G>A. VCF-style: chr5-7889103-G-A. GRCh37 (hg19) VCF-style: chr5-7889216-G-A.
Other names: p.L412L:TTG>TTA; p.Leu385=; c.1155G>A, p.Leu385= (NM_001364440.2, NM_001364441.2, NM_001364442.2 and 1 more transcripts).
Identifiers: ClinVar variation 138292 (VCV000138292.16), dbSNP rs2287779, ClinGen allele CA292217.